The following is an entry in ClinVar:

NM_001358921.2(COQ2):c.145C>G (p.Pro49Ala)

Genes: COQ2 (coenzyme Q2, polyprenyltransferase; minus strand), LOC112997540 (Sharpr-MPRA regulatory region 13773; plus strand). Cytogenetic location: 4q21.23.
Variant type: single nucleotide variant.
Coding change: c.145C>G on transcript NM_001358921.2 (MANE Select); coding-DNA position 145, C replaced by G.
Protein change: p.Pro49Ala; replaces proline 49 with alanine.
Molecular consequence: missense variant.
Genome position (GRCh38, 1-based): chr4:83,284,620, G>C on the plus strand (C>G on the coding strand, the complement: COQ2 is on the minus strand). VCF-style: chr4-83284620-G-C. GRCh37 (hg19) VCF-style: chr4-84205773-G-C.
Other names: c.295C>G, p.Pro99Ala (NM_015697.9); short protein forms P49A, P99A.
Identifiers: ClinVar variation 2153382 (VCV002153382.2), dbSNP rs749260869, ClinGen allele CA2988676.
Genomic context (GRCh38, chr4:83,284,620, plus strand): 5'-GGGGCGCAGAGTCCACCACCGCCGCCGCGGACAAACTGAGCTGGCGCCCGCGCGGCTCGG[G>C]ACAGGCGGGGGGCTGCAAGTCACCACCGTGGGGCGCGCCTGCCGCACGCGCCAGGGCGAA-3'
Protein context (NP_001345850.1, residues 39-59): HGGDLQPPAC[Pro49Ala]EPRGRQLSLS

ClinVar aggregate classification (germline): Uncertain significance (1 of 4 stars; one submission).

Allele frequency attached by ClinVar (database versions not stated): gnomAD 0.00001; TOPMed 0.00003; ExAC 0.00020.
gnomAD v4.1: 36 of 1,523,936 alleles (0.0024%); highest among the groups gnomAD compares: Non-Finnish European, 0.00044%; no homozygotes.

Submission:

Labcorp Genetics (formerly Invitae), Labcorp
Classification: Uncertain significance. Last evaluated: 2022-06-24. Review status: criteria provided, single submitter. Criteria: Invitae Variant Classification Sherloc (09022015). Collection method: clinical testing. Allele origin: germline.
Comment: This variant is present in population databases (rs749260869, gnomAD 0.07%). In summary, the available evidence is currently insufficient to determine the role of this variant in disease. Therefore, it has been classified as a Variant of Uncertain Significance. Algorithms developed to predict the effect of missense changes on protein structure and function (SIFT, PolyPhen-2, Align-GVGD) all suggest that this variant is likely to be tolerated. This variant has not been reported in the literature in individuals affected with COQ2-related conditions. This sequence change replaces proline, which is neutral and non-polar, with alanine, which is neutral and non-polar, at codon 99 of the COQ2 protein (p.Pro99Ala).